The following is an entry in ClinVar:

ClinVar aggregate classification (germline): Uncertain significance (1 of 4 stars; one submission).

Allele frequency attached by ClinVar (database versions not stated): gnomAD exomes below 0.00001.

Submission:

Ambry Genetics
Classification: Uncertain significance. Last evaluated: 2022-11-17. Review status: criteria provided, single submitter. Criteria: Ambry Variant Classification Scheme 2023. Collection method: clinical testing. Allele origin: germline.
Comment: The p.D127N variant (also known as c.379G>A), located in coding exon 1 of the EGLN2 gene, results from a G to A substitution at nucleotide position 379. The aspartic acid at codon 127 is replaced by asparagine, an amino acid with highly similar properties. This amino acid position is conserved. In addition, this alteration is predicted to be tolerated by in silico analysis. Since supporting evidence is limited at this time, the clinical significance of this alteration remains unclear.

NM_080732.4(EGLN2):c.379G>A (p.Asp127Asn)

Genes: EGLN2 (egl-9 family hypoxia inducible factor 2; plus strand), RAB4B-EGLN2 (RAB4B-EGLN2 readthrough (NMD candidate); plus strand). Cytogenetic location: 19q13.2.
Variant type: single nucleotide variant.
Coding change: c.379G>A on transcript NM_080732.4 (MANE Select); coding-DNA position 379, G replaced by A.
Protein change: p.Asp127Asn; replaces aspartic acid 127 with asparagine.
Molecular consequence: missense variant. On other transcripts: non-coding transcript variant (1).
Genome position (GRCh38, 1-based): chr19:40,800,951, G>A. VCF-style: chr19-40800951-G-A. GRCh37 (hg19) VCF-style: chr19-41306856-G-A.
Other names: c.379G>A, p.Asp127Asn (NM_053046.4); short protein forms D127N.
Identifiers: ClinVar variation 2497296 (VCV002497296.2), dbSNP rs1599758381, ClinGen allele CA405955127.